The following is an entry in ClinVar:

NM_001199799.2(ILDR1):c.367A>G (p.Thr123Ala)

Gene: ILDR1 (immunoglobulin like domain containing receptor 1; minus strand). Cytogenetic location: 3q13.33.
Variant type: single nucleotide variant.
Coding change: c.367A>G on transcript NM_001199799.2 (MANE Select); coding-DNA position 367, A replaced by G.
Protein change: p.Thr123Ala; replaces threonine 123 with alanine.
Molecular consequence: missense variant.
Genome position (GRCh38, 1-based): chr3:122,005,256, T>C on the plus strand (A>G on the coding strand, the complement: ILDR1 is on the minus strand). VCF-style: chr3-122005256-T-C. GRCh37 (hg19) VCF-style: chr3-121724103-T-C.
Other names: c.367A>G, p.Thr123Ala (NM_001199800.2, NM_175924.4); c.367A>G (NM_001199799.1); short protein forms T123A.
Identifiers: ClinVar variation 3897543 (VCV003897543.2).

ClinVar aggregate classification (germline): Uncertain significance. Review status: criteria provided, multiple submitters, no conflicts (2 of 4 stars). 2 submissions from 2 submitters: Uncertain significance (2). Last evaluated 2025-11-12.

Conditions:
Autosomal recessive nonsyndromic hearing loss 42. Identifiers: Orphanet 90636, MedGen C1864818, MONDO:0012326, OMIM 609646.
Inborn genetic diseases. Identifiers: MedGen C0950123, MeSH D030342.

Submissions (2):

Ambry Genetics
Classification: Uncertain significance for Inborn genetic diseases. Last evaluated: 2025-11-12. Review status: criteria provided, single submitter. Criteria: Ambry Variant Classification Scheme 2023. Collection method: clinical testing. Allele origin: germline.

Department of Human Genetics, Hannover Medical School
Classification: Uncertain significance for Autosomal recessive nonsyndromic hearing loss 42. Last evaluated: 2025-05-07. Review status: criteria provided, single submitter. Criteria: ACMG Guidelines, 2015. Collection method: clinical testing. Allele origin: germline. Affected: yes.
Comment: ACMG: PM2_Supporting, BP4